The following is an entry in ClinVar:

NM_207037.2(TCF12):c.1467+1G>C

Gene: TCF12 (transcription factor 12; plus strand). Cytogenetic location: 15q21.3.
Variant type: single nucleotide variant.
Coding change: c.1467+1G>C on transcript NM_207037.2 (MANE Select); the canonical splice donor site of the intron after coding-DNA position 1467, G replaced by C.
Molecular consequence: splice donor variant.
Genome position (GRCh38, 1-based): chr15:57,253,469, G>C. VCF-style: chr15-57253469-G-C. GRCh37 (hg19) VCF-style: chr15-57545667-G-C.
Other names: c.1467+1G>C (NM_001322151.2, NM_001322159.3, NM_001322152.2 and 2 more transcripts); c.1395+1G>C (NM_001322157.3, NM_003205.4, NM_207038.2 and 1 more transcripts); c.1293+1G>C (NM_001322156.2); c.1221+1G>C (NM_001322158.2); c.810+1G>C (NM_001322154.2); c.1464+1G>C (NM_001322161.2); c.1431+1G>C (NM_001322164.2); c.957+1G>C (NM_001306219.3); and 2 more.
Identifiers: ClinVar variation 560378 (VCV000560378.2), dbSNP rs1566992093, ClinGen allele CA392587711.
Genomic context (GRCh38, chr15:57,253,469, plus strand): 5'-AGCCTCAATTCAAACTATGGAGGATCAAGCCTTGTTGCAAGCAGTCGATCAGCTTCAATG[G>C]TAAAATCATGCTCATCTTTTTTGTAGTAAACCCTAAAGATTCTTGTCCTAAATGTCTTTA-3'

ClinVar aggregate classification (germline): Pathogenic. Review status: criteria provided, single submitter (1 of 4 stars). 2 submissions from 2 submitters: Pathogenic (1). 1 of the submissions does not count toward it. Last evaluated 2026-06-12.

Conditions:
Common craniosynostosis syndromes.
Coronal craniosynostosis. Identifiers: MedGen C1856266, HP:0004440.

Submissions (2):

Genetics Laboratory, Great Ormond Street Hospital NHS Foundation Trust, North Thames Genomic Laboratory Hub
Classification: Pathogenic for Common craniosynostosis syndromes. Last evaluated: 2026-06-12. Review status: criteria provided, single submitter. Criteria: ACGS Best Practice Guidelines for Variant Classification in Rare Disease 2024 v1.2. Collection method: clinical testing. Allele origin: germline. Affected: yes.
Comment: PM2_moderate, PVS1_very-strong

Institute of Human Genetics, University of Wuerzburg
Classification: Likely pathogenic for Coronal craniosynostosis. Review status: no assertion criteria provided. Collection method: clinical testing. Allele origin: unknown. Not counted in ClinVar's aggregate classification.